The following is an entry in ClinVar:

NM_000245.4(MET):c.1965+4A>C

Gene: MET (MET proto-oncogene, receptor tyrosine kinase; plus strand). Cytogenetic location: 7q31.2.
Variant type: single nucleotide variant.
Coding change: c.1965+4A>C on transcript NM_000245.4 (MANE Select); 4 bases into the intron after coding-DNA position 1965, A replaced by C.
Molecular consequence: intron variant.
Genome position (GRCh38, 1-based): chr7:116,757,543, A>C. VCF-style: chr7-116757543-A-C. GRCh37 (hg19) VCF-style: chr7-116397597-A-C.
Other names: c.1965+4A>C (NM_001127500.3, NM_001324401.3); c.675+4A>C (NM_001324402.2).
Identifiers: ClinVar variation 485789 (VCV000485789.13), dbSNP rs1362532895, ClinGen allele CA658656005.

ClinVar aggregate classification (germline): Uncertain significance. Review status: criteria provided, multiple submitters, no conflicts (2 of 4 stars). 2 submissions from 2 submitters: Uncertain significance (2). Last evaluated 2025-06-24.

Conditions:
Hereditary cancer-predisposing syndrome. Also called: Tumor predisposition; Hereditary Cancer Syndrome; Hereditary neoplastic syndrome; Neoplastic Syndromes, Hereditary. Identifiers: Orphanet 140162, MedGen C0027672, MeSH D009386, MONDO:0015356.
Renal cell carcinoma. Identifiers: Orphanet 217071, MedGen C0007134, MeSH D002292, MONDO:0005086, HP:0005584.

Allele frequency attached by ClinVar (database versions not stated): TOPMed below 0.00001.

Submissions (2):

Ambry Genetics
Classification: Uncertain significance for Hereditary cancer-predisposing syndrome. Last evaluated: 2025-06-24. Review status: criteria provided, single submitter. Criteria: Ambry Variant Classification Scheme 2023. Collection method: clinical testing. Allele origin: germline.
Comment: The c.1965+4A>C intronic variant results from an A to C substitution 4 nucleotides after coding exon 6 in the MET gene. This nucleotide position is well conserved in available vertebrate species. In silico splice site analysis predicts that this alteration will not have any significant effect on splicing. Based on the available evidence, the clinical significance of this variant remains unclear.

Labcorp Genetics (formerly Invitae), Labcorp
Classification: Uncertain significance for Renal cell carcinoma. Last evaluated: 2022-10-30. Review status: criteria provided, single submitter. Criteria: Invitae Variant Classification Sherloc (09022015). Collection method: clinical testing. Allele origin: germline.
Comment: Variants that disrupt the consensus splice site are a relatively common cause of aberrant splicing (PMID: 17576681, 9536098). Algorithms developed to predict the effect of sequence changes on RNA splicing suggest that this variant is not likely to affect RNA splicing. ClinVar contains an entry for this variant (Variation ID: 485789). This variant has not been reported in the literature in individuals affected with MET-related conditions. This variant is not present in population databases (gnomAD no frequency). This sequence change falls in intron 7 of the MET gene. It does not directly change the encoded amino acid sequence of the MET protein. It affects a nucleotide within the consensus splice site. In summary, the available evidence is currently insufficient to determine the role of this variant in disease. Therefore, it has been classified as a Variant of Uncertain Significance.

Literature cited by the submitters: PubMed 17576681 (cited by Labcorp Genetics (formerly Invitae), Labcorp); PubMed 9536098 (cited by Labcorp Genetics (formerly Invitae), Labcorp).